The following is an entry in ClinVar:

NM_001303256.3(MORC2):c.2023C>G (p.Arg675Gly)

Gene: MORC2 (MORC family CW-type zinc finger 2; minus strand). Cytogenetic location: 22q12.2.
Variant type: single nucleotide variant.
Coding change: c.2023C>G on transcript NM_001303256.3 (MANE Select); coding-DNA position 2023, C replaced by G.
Protein change: p.Arg675Gly; replaces arginine 675 with glycine.
Molecular consequence: missense variant.
Genome position (GRCh38, 1-based): chr22:30,934,951, G>C on the plus strand (C>G on the coding strand, the complement: MORC2 is on the minus strand). VCF-style: chr22-30934951-G-C. GRCh37 (hg19) VCF-style: chr22-31330938-G-C.
Other names: c.2023C>G, p.Arg675Gly (NM_001303257.2); c.1837C>G, p.Arg613Gly (NM_014941.3); short protein forms R675G, R613G.
Identifiers: ClinVar variation 2864528 (VCV002864528.4), dbSNP rs532346574, ClinGen allele CA411234758.
Genomic context (GRCh38, chr22:30,934,951, plus strand): 5'-GTTGCTGCACCAGAGGGGCAGGTCGGGATGCAGTCTTGACGAGAGTGTTGGCAGGCTTTC[G>C]GGGTGCCTCAGGTGGCTGGAGCAGCCTAGATGTGCTGGCCTCCTCCCGGGCTGCCAAAGC-3'
Protein context (NP_001290185.1, residues 665-685): SRLLQPPEAP[Arg675Gly]KPANTLVKTA

ClinVar aggregate classification (germline): Uncertain significance. Review status: criteria provided, multiple submitters, no conflicts (2 of 4 stars). 2 submissions from 2 submitters: Uncertain significance (2). Last evaluated 2023-05-16.

Conditions:
Developmental delay, impaired growth, dysmorphic facies, and axonal neuropathy. Identifiers: MedGen C5436781, MONDO:0030835, OMIM 619090.
Charcot-Marie-Tooth disease axonal type 2Z. Also called: CHARCOT-MARIE-TOOTH DISEASE, AXONAL, AUTOSOMAL DOMINANT, TYPE 2Z; CHARCOT-MARIE-TOOTH NEUROPATHY, TYPE 2Z. Identifiers: Orphanet 466768, MedGen C5569025, MONDO:0014736, OMIM 616688.

Submissions (2):

Labcorp Genetics (formerly Invitae), Labcorp
Classification: Uncertain significance for Charcot-Marie-Tooth disease axonal type 2Z. Last evaluated: 2023-05-16. Review status: criteria provided, single submitter. Criteria: Invitae Variant Classification Sherloc (09022015). Collection method: clinical testing. Allele origin: germline.
Comment: In summary, the available evidence is currently insufficient to determine the role of this variant in disease. Therefore, it has been classified as a Variant of Uncertain Significance. Advanced modeling of protein sequence and biophysical properties (such as structural, functional, and spatial information, amino acid conservation, physicochemical variation, residue mobility, and thermodynamic stability) performed at Invitae indicates that this missense variant is not expected to disrupt MORC2 protein function. This variant has not been reported in the literature in individuals affected with MORC2-related conditions. This variant is not present in population databases (gnomAD no frequency). This sequence change replaces arginine, which is basic and polar, with glycine, which is neutral and non-polar, at codon 675 of the MORC2 protein (p.Arg675Gly).

Neuberg Centre For Genomic Medicine, NCGM
Classification: Uncertain significance for Developmental delay, impaired growth, dysmorphic facies, and axonal neuropathy. Review status: criteria provided, single submitter. Criteria: ACMG Guidelines, 2015. Collection method: clinical testing. Allele origin: germline. Inheritance: Autosomal dominant inheritance. Affected: yes.
Comment: The observed missense variant c.2023C>G (p.Arg675Gly) in MORC2 gene has not been reported previously as a pathogenic variant nor as a benign variant, to our knowledge. The p.Arg675Gly variant is absent in gnomAD Exomes databases. This variant has not been reported to the ClinVar database. The amino acid change p.Arg675Gly in MORC2 is predicted as conserved by GERP++ and PhyloP across 100 vertebrates. The amino acid Arg at position 675 is changed to a Gly changing protein sequence and it might alter its composition and physico-chemical properties. For these reasons, this variant has been classified as a Variant of Uncertain Significance (VUS).